The following is an entry in ClinVar:

ClinVar aggregate classification (germline): Uncertain significance. Review status: criteria provided, multiple submitters, no conflicts (2 of 4 stars). 3 submissions from 3 submitters: Uncertain significance (3). Last evaluated 2026-01-20.

Conditions:
Warburg-cinotti syndrome. Identifiers: MedGen C5193019, MONDO:0032579, OMIM 618175.
Inborn genetic diseases. Identifiers: MedGen C0950123, MeSH D030342.

gnomAD v4.1: 87 of 1,614,038 alleles (0.0054%); highest among the groups gnomAD compares: Non-Finnish European, 0.007%; no homozygotes.

Submissions (3):

Labcorp Genetics (formerly Invitae), Labcorp
Classification: Uncertain significance. Last evaluated: 2026-01-20. Review status: criteria provided, single submitter. Criteria: Invitae Variant Classification Sherloc (09022015). Collection method: clinical testing. Allele origin: germline.
Comment: This sequence change replaces threonine, which is neutral and polar, with isoleucine, which is neutral and non-polar, at codon 98 of the DDR2 protein (p.Thr98Ile). This variant is present in population databases (rs770752518, gnomAD 0.006%). This variant has not been reported in the literature in individuals affected with DDR2-related conditions. ClinVar contains an entry for this variant (Variation ID: 3779224). An algorithm developed to predict the effect of missense changes on protein structure and function (PolyPhen-2) suggests that this variant is likely to be disruptive. In summary, the available evidence is currently insufficient to determine the role of this variant in disease. Therefore, it has been classified as a Variant of Uncertain Significance.

Ambry Genetics
Classification: Uncertain significance for Inborn genetic diseases. Last evaluated: 2025-08-08. Review status: criteria provided, single submitter. Criteria: Ambry Variant Classification Scheme 2023. Collection method: clinical testing. Allele origin: germline.

Department of Pathology and Laboratory Medicine, Sinai Health System
Classification: Uncertain significance for warburg-cinotti syndrome. Last evaluated: 2022-11-01. Review status: criteria provided, single submitter. Criteria: ACMG Guidelines, 2015. Collection method: research. Allele origin: germline.

NM_006182.4(DDR2):c.293C>T (p.Thr98Ile)

Gene: DDR2 (discoidin domain receptor tyrosine kinase 2; plus strand). Cytogenetic location: 1q23.3.
Variant type: single nucleotide variant.
Coding change: c.293C>T on transcript NM_006182.4 (MANE Select); coding-DNA position 293, C replaced by T.
Protein change: p.Thr98Ile; replaces threonine 98 with isoleucine.
Molecular consequence: missense variant.
Genome position (GRCh38, 1-based): chr1:162,754,731, C>T. VCF-style: chr1-162754731-C-T. GRCh37 (hg19) VCF-style: chr1-162724521-C-T.
Other names: c.293C>T, p.Thr98Ile (NM_001014796.3, NM_001354982.2, NM_001354983.2); c.293C>T (NM_006182.2); short protein forms T98I.
Identifiers: ClinVar variation 3779224 (VCV003779224.3).